The following is an entry in ClinVar:

NM_001037333.3(CYFIP2):c.795+5A>T

Gene: CYFIP2 (cytoplasmic FMR1 interacting protein 2; plus strand). Cytogenetic location: 5q33.3.
Variant type: single nucleotide variant.
Coding change: c.795+5A>T on transcript NM_001037333.3 (MANE Select); 5 bases into the intron after coding-DNA position 795, A replaced by T.
Molecular consequence: intron variant.
Genome position (GRCh38, 1-based): chr5:157,304,371, A>T. VCF-style: chr5-157304371-A-T. GRCh37 (hg19) VCF-style: chr5-156731379-A-T.
Other names: c.795+5A>T (NM_001291722.2, NM_014376.4); c.717+5A>T (NM_001291721.2).
Identifiers: ClinVar variation 2298775 (VCV002298775.2), dbSNP rs2532321826, ClinGen allele CA2580073954.

ClinVar aggregate classification (germline): Uncertain significance (1 of 4 stars; one submission).

Conditions:
Inborn genetic diseases. Identifiers: MedGen C0950123, MeSH D030342.

Submission:

Ambry Genetics
Classification: Uncertain significance for Inborn genetic diseases. Last evaluated: 2022-08-05. Review status: criteria provided, single submitter. Criteria: Ambry Variant Classification Scheme 2023. Collection method: clinical testing. Allele origin: germline.
Comment: The c.795+5A>T intronic alteration consists of a A to T substitution nucleotides after coding exon 7 in the CYFIP2 gene. Based on insufficient or conflicting evidence, the clinical significance of this alteration remains unclear.